The following is an entry in ClinVar:

ClinVar aggregate classification (germline): Pathogenic. Review status: criteria provided, multiple submitters, no conflicts (2 of 4 stars). 2 submissions from 2 submitters: Pathogenic (2). Last evaluated 2024-06-05.

Conditions:
Ataxia-telangiectasia syndrome (AT). Also called: Ataxia-telangiectasia; Ataxia-telangiectasia, complementation group D; AT, COMPLEMENTATION GROUP C; Ataxia-telangiectasia, complementation group E; LOUIS-BAR SYNDROME; Cerebello-oculocutaneous telangiectasia. Identifiers: Orphanet 100, MedGen C0004135, MONDO:0008840, OMIM 208900.
Hereditary cancer-predisposing syndrome. Also called: Neoplastic Syndromes, Hereditary; Tumor predisposition; Hereditary Cancer Syndrome; Hereditary neoplastic syndrome. Identifiers: Orphanet 140162, MedGen C0027672, MeSH D009386, MONDO:0015356.

Submissions (2):

Ambry Genetics
Classification: Pathogenic for Hereditary cancer-predisposing syndrome. Last evaluated: 2024-06-05. Review status: criteria provided, single submitter. Criteria: Ambry Variant Classification Scheme 2023. Collection method: clinical testing. Allele origin: germline.
Comment: The c.6198+1G>T intronic variant results from a G to T substitution one nucleotide after coding exon 41 of the ATM gene. This variant has been identified in the homozygous state in an individual who met clinical criteria for Ataxia telangiectasia (Rawat A et al. Indian J Pediatr, 2016 Mar;83:270-1; (Rawat A et al. Sci Rep, 2022 Mar;12:4036). This variant is considered to be rare based on population cohorts in the Genome Aggregation Database (gnomAD). This nucleotide position is highly conserved in available vertebrate species. In silico splice site analysis predicts that this alteration will weaken the native splice donor site. RNA studies have demonstrated that this alteration results in abnormal splicing in the set of samples tested (Ambry internal data). Additionally, another alteration impacting the same donor site (c.6198+1G>A) has been shown to have a similar impact on splicing (Ambry internal data). In addition to the clinical data presented in the literature, alterations that disrupt the canonical splice site are expected to cause aberrant splicing, resulting in an abnormal protein or a transcript that is subject to nonsense-mediated mRNA decay. As such, this alteration is classified as a disease-causing mutation.

Labcorp Genetics (formerly Invitae), Labcorp
Classification: Pathogenic for Ataxia-telangiectasia syndrome. Last evaluated: 2024-05-31. Review status: criteria provided, single submitter. Criteria: Invitae Variant Classification Sherloc (09022015). Collection method: clinical testing. Allele origin: germline.
Comment: This sequence change affects a donor splice site in intron 42 of the ATM gene. It is expected to disrupt RNA splicing. Variants that disrupt the donor or acceptor splice site typically lead to a loss of protein function (PMID: 16199547), and loss-of-function variants in ATM are known to be pathogenic (PMID: 23807571, 25614872). This variant is not present in population databases (gnomAD no frequency). Disruption of this splice site has been observed in individuals with ataxia telangiectasia (PMID: 9463314, 16832357, 21459046, 21792198, 26220245, 26915675, 29909963, 30549301, 35260754). Algorithms developed to predict the effect of sequence changes on RNA splicing suggest that this variant may disrupt the consensus splice site. For these reasons, this variant has been classified as Pathogenic.

Literature cited by the submitters: PubMed 26220245 (cited by Ambry Genetics and Labcorp Genetics (formerly Invitae), Labcorp); PubMed 35260754 (cited by Ambry Genetics and Labcorp Genetics (formerly Invitae), Labcorp); PubMed 16199547 (cited by Labcorp Genetics (formerly Invitae), Labcorp); PubMed 23807571 (cited by Labcorp Genetics (formerly Invitae), Labcorp); PubMed 25614872 (cited by Labcorp Genetics (formerly Invitae), Labcorp); PubMed 9463314 (cited by Labcorp Genetics (formerly Invitae), Labcorp); PubMed 16832357 (cited by Labcorp Genetics (formerly Invitae), Labcorp); PubMed 21459046 (cited by Labcorp Genetics (formerly Invitae), Labcorp); PubMed 21792198 (cited by Labcorp Genetics (formerly Invitae), Labcorp); PubMed 26915675 (cited by Labcorp Genetics (formerly Invitae), Labcorp); PubMed 29909963 (cited by Labcorp Genetics (formerly Invitae), Labcorp); PubMed 30549301 (cited by Labcorp Genetics (formerly Invitae), Labcorp).

NM_000051.4(ATM):c.6198+1G>T

Genes: ATM (ATM serine/threonine kinase; plus strand), C11orf65 (chromosome 11 open reading frame 65; minus strand). Cytogenetic location: 11q22.3.
Variant type: single nucleotide variant.
Coding change: c.6198+1G>T on transcript NM_000051.4 (MANE Select); the canonical splice donor site of the intron after coding-DNA position 6198, G replaced by T.
Molecular consequence: splice donor variant. On other transcripts: intron variant (2).
Genome position (GRCh38, 1-based): chr11:108,316,114, G>T. VCF-style: chr11-108316114-G-T. GRCh37 (hg19) VCF-style: chr11-108186841-G-T.
Other names: c.6198+1G>T (NM_001351834.2); c.641-7043C>A (NM_001330368.2); c.*39-7043C>A (NM_001351110.2).
Identifiers: ClinVar variation 3326537 (VCV003326537.3).